The following is an entry in ClinVar:

NM_015331.3(NCSTN):c.400T>C (p.Phe134Leu)

Gene: NCSTN (nicastrin; plus strand). Cytogenetic location: 1q23.2.
Variant type: single nucleotide variant.
Coding change: c.400T>C on transcript NM_015331.3 (MANE Select); coding-DNA position 400, T replaced by C.
Protein change: p.Phe134Leu; replaces phenylalanine 134 with leucine.
Molecular consequence: missense variant.
Genome position (GRCh38, 1-based): chr1:160,349,634, T>C. VCF-style: chr1-160349634-T-C. GRCh37 (hg19) VCF-style: chr1-160319424-T-C.
Other names: c.340T>C, p.Phe114Leu (NM_001290184.2); c.400T>C, p.Phe134Leu (NM_001290186.2, NM_001349729.2); short protein forms F114L, F134L.
Identifiers: ClinVar variation 3696505 (VCV003696505.2).

ClinVar aggregate classification (germline): Uncertain significance (1 of 4 stars; one submission).

gnomAD v4.1: 3 of 1,614,028 alleles (0.00019%); highest among the groups gnomAD compares: African/African-American, 0.0027%; no homozygotes.

Submission:

Labcorp Genetics (formerly Invitae), Labcorp
Classification: Uncertain significance. Last evaluated: 2024-05-12. Review status: criteria provided, single submitter. Criteria: Invitae Variant Classification Sherloc (09022015). Collection method: clinical testing. Allele origin: germline.
Comment: This sequence change replaces phenylalanine, which is neutral and non-polar, with leucine, which is neutral and non-polar, at codon 134 of the NCSTN protein (p.Phe134Leu). This variant is present in population databases (rs779344804, gnomAD 0.01%). This variant has not been reported in the literature in individuals affected with NCSTN-related conditions. Advanced modeling of protein sequence and biophysical properties (such as structural, functional, and spatial information, amino acid conservation, physicochemical variation, residue mobility, and thermodynamic stability) has been performed at Invitae for this missense variant, however the output from this modeling did not meet the statistical confidence thresholds required to predict the impact of this variant on NCSTN protein function. In summary, the available evidence is currently insufficient to determine the role of this variant in disease. Therefore, it has been classified as a Variant of Uncertain Significance.